The following is an entry in ClinVar:

ClinVar aggregate classification (germline): Likely benign (1 of 4 stars; one submission).

Allele frequency attached by ClinVar (database versions not stated): gnomAD 0.00981 and 0.01062; 1000 Genomes Project 0.01058; 1000 Genomes Project 30x 0.01077; TOPMed 0.01091.
gnomAD v4.1: 1,474 of 152,156 alleles (0.97%); highest among the groups gnomAD compares: African/African-American, 3.4%; 25 homozygotes.

Submission:

GeneDx
Classification: Likely benign. Last evaluated: 2018-06-19. Review status: criteria provided, single submitter. Criteria: GeneDx Variant Classification (06012015). Collection method: clinical testing. Allele origin: germline. Affected: yes.
Comment: This variant is considered likely benign or benign based on one or more of the following criteria: it is a conservative change, it occurs at a poorly conserved position in the protein, it is predicted to be benign by multiple in silico algorithms, and/or has population frequency not consistent with disease.

NM_020778.5(ALPK3):c.423-173A>T

Gene: ALPK3 (alpha kinase 3; plus strand). Cytogenetic location: 15q25.3.
Variant type: single nucleotide variant.
Coding change: c.423-173A>T on transcript NM_020778.5 (MANE Select); 173 bases into the intron before coding-DNA position 423, A replaced by T.
Molecular consequence: intron variant.
Genome position (GRCh38, 1-based): chr15:84,839,529, A>T. VCF-style: chr15-84839529-A-T. GRCh37 (hg19) VCF-style: chr15-85382760-A-T.
Identifiers: ClinVar variation 678492 (VCV000678492.1), dbSNP rs73437949, ClinGen allele CA273664782.
Genomic context (GRCh38, chr15:84,839,529, plus strand): 5'-CCCTCCTGGGACAGTATGGCCTTGGTCAGCCGCCACCTTTTTGCCAGCCTCAGTTCCCTC[A>T]GCTGTAATGGAGGGTGTTGTATGTTGTGACGTGTGAGATGGGGCGTAGCACACGGCAGGG-3'